The following is an entry in ClinVar:

ClinVar aggregate classification (germline): Uncertain significance (1 of 4 stars; one submission).

Submission:

Labcorp Genetics (formerly Invitae), Labcorp
Classification: Uncertain significance. Last evaluated: 2022-06-28. Review status: criteria provided, single submitter. Criteria: Invitae Variant Classification Sherloc (09022015). Collection method: clinical testing. Allele origin: germline.
Comment: In summary, the available evidence is currently insufficient to determine the role of this variant in disease. Therefore, it has been classified as a Variant of Uncertain Significance. Variants that disrupt the consensus splice site are a relatively common cause of aberrant splicing (PMID: 17576681, 9536098). Algorithms developed to predict the effect of sequence changes on RNA splicing suggest that this variant is not likely to affect RNA splicing. This variant has not been reported in the literature in individuals affected with SKIV2L-related conditions. This variant is not present in population databases (gnomAD no frequency). This sequence change falls in intron 13 of the SKIV2L gene. It does not directly change the encoded amino acid sequence of the SKIV2L protein. It affects a nucleotide within the consensus splice site.

Literature cited by the submitters: PubMed 17576681; PubMed 9536098.

NM_006929.5(SKIC2):c.1404-3C>A

Gene: SKIC2 (SKI2 subunit of superkiller complex; plus strand). Cytogenetic location: 6p21.33.
Variant type: single nucleotide variant.
Coding change: c.1404-3C>A on transcript NM_006929.5 (MANE Select); 3 bases into the intron before coding-DNA position 1404, C replaced by A.
Molecular consequence: intron variant.
Genome position (GRCh38, 1-based): chr6:31,963,410, C>A. VCF-style: chr6-31963410-C-A. GRCh37 (hg19) VCF-style: chr6-31931187-C-A.
Identifiers: ClinVar variation 1483588 (VCV001483588.6), dbSNP rs1167346191, ClinGen allele CA2573140264.
Genomic context (GRCh38, chr6:31,963,410, plus strand): 5'-GGTGGGGATGTGGGTTCCTTCCCACGTTCCCACCCCTGACCTGCTTCCCTCTCCTTTCTT[C>A]AGGCGGCTGAAGCGTCGTCAGATCTATGTGATTAGCACTGTAACCCGCCCCGTGCCCCTG-3'